The following is an entry in ClinVar:

NM_015271.5(TRIM2):c.569C>G (p.Ala190Gly)

Gene: TRIM2 (tripartite motif containing 2; plus strand). Cytogenetic location: 4q31.3.
Variant type: single nucleotide variant.
Coding change: c.569C>G on transcript NM_015271.5 (MANE Select); coding-DNA position 569, C replaced by G.
Protein change: p.Ala190Gly; replaces alanine 190 with glycine.
Molecular consequence: missense variant. On other transcripts: intron variant (2).
Genome position (GRCh38, 1-based): chr4:153,293,097, C>G. VCF-style: chr4-153293097-C-G. GRCh37 (hg19) VCF-style: chr4-154214249-C-G.
Other names: c.488C>G, p.Ala163Gly (NM_001130067.2, NM_001351056.2, NM_001375512.1 and 5 more transcripts); c.542C>G, p.Ala181Gly (NM_001351054.2); c.539C>G, p.Ala180Gly (NM_001351055.2); c.113C>G, p.Ala38Gly (NM_001351057.2); c.662C>G, p.Ala221Gly (NM_001375488.1); c.659C>G, p.Ala220Gly (NM_001375489.1); c.569C>G, p.Ala190Gly (NM_001375490.1); c.566C>G, p.Ala189Gly (NM_001375491.1); and 3 more; short protein forms A190G, A221G, A38G, A77G, A180G, A163G, A181G, A189G.
Identifiers: ClinVar variation 2902154 (VCV002902154.3), dbSNP rs1762138169, ClinGen allele CA358471412.
Genomic context (GRCh38, chr4:153,293,097, plus strand): 5'-AGGGGGAGCACGCAGAGCACCCCACAGTTCCACTCAAGGATGTGGTGGAACAGCACAAGG[C>G]CTCGCTCCAGGTCCAGCTGGATGCTGTCAACAAAAGGTGGGGGACCCCTCCCCAAACCCC-3'
Protein context (NP_056086.2, residues 180-200): PLKDVVEQHK[Ala190Gly]SLQVQLDAVN

ClinVar aggregate classification (germline): Uncertain significance (1 of 4 stars; one submission).

Conditions:
Charcot-Marie-Tooth disease type 2R. Also called: CHARCOT-MARIE-TOOTH DISEASE, AXONAL, AUTOSOMAL RECESSIVE, TYPE 2R; CHARCOT-MARIE-TOOTH NEUROPATHY, TYPE 2R; Charcot-Marie-Tooth disease, axonal, type 2R. Identifiers: Orphanet 397968, MedGen C3809655, MONDO:0014208, OMIM 615490.

Allele frequency attached by ClinVar (database versions not stated): TOPMed below 0.00001.
gnomAD v4.1: 1 of 1,612,500 alleles (0.000062%); no homozygotes.

Submission:

Labcorp Genetics (formerly Invitae), Labcorp
Classification: Uncertain significance for Charcot-Marie-Tooth disease type 2R. Last evaluated: 2023-08-29. Review status: criteria provided, single submitter. Criteria: Invitae Variant Classification Sherloc (09022015). Collection method: clinical testing. Allele origin: germline.
Comment: This sequence change replaces alanine, which is neutral and non-polar, with glycine, which is neutral and non-polar, at codon 163 of the TRIM2 protein (p.Ala163Gly). This variant is not present in population databases (gnomAD no frequency). This variant has not been reported in the literature in individuals affected with TRIM2-related conditions. An algorithm developed to predict the effect of missense changes on protein structure and function (PolyPhen-2) suggests that this variant is likely to be tolerated. In summary, the available evidence is currently insufficient to determine the role of this variant in disease. Therefore, it has been classified as a Variant of Uncertain Significance.